The following is an entry in ClinVar:

NM_000264.5(PTCH1):c.*2275T>A

Gene: PTCH1 (patched 1; minus strand). Cytogenetic location: 9q22.32.
Variant type: single nucleotide variant.
Coding change: c.*2275T>A on transcript NM_000264.5 (MANE Select); 2275 bases downstream of the stop codon, T replaced by A.
Molecular consequence: 3 prime UTR variant. On other transcripts: non-coding transcript variant (1).
Genome position (GRCh38, 1-based): chr9:95,444,118, A>T on the plus strand (T>A on the coding strand, the complement: PTCH1 is on the minus strand). VCF-style: chr9-95444118-A-T. GRCh37 (hg19) VCF-style: chr9-98206400-A-T.
Other names: c.*2275T>A (NM_001083602.3, NM_001083603.3, NM_001083604.3 and 4 more transcripts).
Identifiers: ClinVar variation 367628 (VCV000367628.6), dbSNP rs28380046, ClinGen allele CA10634565.

ClinVar aggregate classification (germline): Benign. Review status: criteria provided, multiple submitters, no conflicts (2 of 4 stars). 3 submissions from 2 submitters: Benign (3). Last evaluated 2018-01-13.

Conditions:
Holoprosencephaly 7 (HPE7). Identifiers: Orphanet 2162, MedGen C1835820, MONDO:0012562, OMIM 610828.
Gorlin syndrome. Also called: Basal cell nevus syndrome; Nevoid Basal Cell Carcinoma Syndrome. Identifiers: Orphanet 377, MedGen C0004779, MONDO:0007187.

Allele frequency attached by ClinVar (database versions not stated): gnomAD exomes 0.00769; gnomAD 0.08954 and 0.09501; TOPMed 0.10133; 1000 Genomes Project 0.10583.
gnomAD v4.1: 13,111 of 148,238 alleles (8.8%); highest among the groups gnomAD compares: African/African-American, 28%; 1,596 homozygotes.

Submissions (3):

Illumina Laboratory Services, Illumina
Classification: Benign for Holoprosencephaly 7. Last evaluated: 2018-01-13. Review status: criteria provided, single submitter. Criteria: ICSL Variant Classification Criteria 13 December 2019. Collection method: clinical testing. Allele origin: germline.
Comment: This variant was observed in the ICSL laboratory as part of a predisposition screen in an ostensibly healthy population. It had not been previously curated by ICSL or reported in the Human Gene Mutation Database (HGMD: prior to June 1st, 2018), and was therefore a candidate for classification through an automated scoring system. Utilizing variant allele frequency, disease prevalence and penetrance estimates, and inheritance mode, an automated score was calculated to assess if this variant is too frequent to cause the disease. Based on the score and internal cut-off values, a variant classified as benign is not then subjected to further curation. The score for this variant resulted in a classification of benign for this disease.

Illumina Laboratory Services, Illumina
Classification: Benign for Basal cell nevus syndrome 1. Last evaluated: 2018-01-13. Review status: criteria provided, single submitter. Criteria: ICSL Variant Classification Criteria 13 December 2019. Collection method: clinical testing. Allele origin: germline.
Comment: the same text as in the submission from Illumina Laboratory Services, Illumina above.

Breakthrough Genomics
Classification: Benign. Review status: criteria provided, single submitter. Criteria: ACMG Guidelines, 2015. Collection method: not provided. Allele origin: germline. Inheritance: Autosomal dominant inheritance. Affected: yes.